The following is an entry in ClinVar:

ClinVar aggregate classification (germline): Uncertain significance (1 of 4 stars; one submission).

Conditions:
Tuberous sclerosis syndrome (TSC). Also called: Tuberous Sclerosis Complex; Tuberous sclerosis. Identifiers: Orphanet 805, MedGen C0041341, MONDO:0001734.

gnomAD v4.1: 1 of 1,612,658 alleles (0.000062%); highest among the groups gnomAD compares: Non-Finnish European, 0.000085%; no homozygotes.

Submission:

All of Us Research Program, National Institutes of Health
Classification: Uncertain significance for Tuberous sclerosis syndrome. Last evaluated: 2023-07-19. Review status: criteria provided, single submitter. Criteria: ACMG Guidelines, 2015. Collection method: clinical testing. Allele origin: germline. Inheritance: Autosomal dominant inheritance. Observed: 1 variant allele, 1 heterozygote.
Comment: This missense variant replaces proline with threonine at codon 1263 of the TSC2 protein. Computational prediction suggests that this variant may not impact protein structure and function (internally defined REVEL score threshold <= 0.5, PMID: 27666373). To our knowledge, functional studies have not been reported for this variant. This variant has not been reported in individuals affected with tuberous sclerosis complex in the literature. This variant has not been identified in the general population by the Genome Aggregation Database (gnomAD). The available evidence is insufficient to determine the role of this variant in disease conclusively. Therefore, this variant is classified as a Variant of Uncertain Significance.

This study involves interpretation of variants in research participants for the purpose of population health screening. Participant phenotype was not available at the time of variant classification. Additional details can be found in publication PMID: 35346344, PMCID: PMC8962531

NM_000548.5(TSC2):c.3787C>A (p.Pro1263Thr)

Gene: TSC2 (TSC complex subunit 2; plus strand). Cytogenetic location: 16p13.3.
Variant type: single nucleotide variant.
Coding change: c.3787C>A on transcript NM_000548.5 (MANE Select); coding-DNA position 3787, C replaced by A.
Protein change: p.Pro1263Thr; replaces proline 1263 with threonine.
Molecular consequence: missense variant. On other transcripts: non-coding transcript variant (5).
Genome position (GRCh38, 1-based): chr16:2,081,771, C>A. VCF-style: chr16-2081771-C-A. GRCh37 (hg19) VCF-style: chr16-2131772-C-A.
Other names: c.3508C>A, p.Pro1170Thr (NM_001406679.1); c.3187C>A, p.Pro1063Thr (NM_001406680.1, NM_001406682.1, NM_001406683.1); c.3196C>A, p.Pro1066Thr (NM_001406681.1); c.3184C>A, p.Pro1062Thr (NM_001406684.1); c.3058C>A, p.Pro1020Thr (NM_001406685.1, NM_001406686.1); c.3055C>A, p.Pro1019Thr (NM_001406687.1, NM_001318831.2, NM_001406688.1); c.2053C>A, p.Pro685Thr (NM_001406698.1); c.3658C>A, p.Pro1220Thr (NM_021055.3, NM_001370405.1, NM_001363528.2); and 18 more; short protein forms P1019T, P1020T, P1062T, P1063T, P1066T, P1170T, P1171T, P1182T.
Identifiers: ClinVar variation 3072477 (VCV003072477.1), dbSNP rs1233661099, ClinGen allele CA394293484.
Genomic context (GRCh38, chr16:2,081,771, plus strand): 5'-GAGCACCGGGACACAGCCCTGTACAAGTCACTGTCGGTGCCGGCAGCCAGCACGGCCAAA[C>A]CCCCTCCTCTGCCTCGCTCCAACACAGGTGAGTGGCATGGCGGGCCTTGGCACGGGCTCT-3'
Protein context (NP_000539.2, residues 1253-1273): LSVPAASTAK[Pro1263Thr]PPLPRSNTVA